The following is an entry in ClinVar:

ClinVar aggregate classification (germline): Uncertain significance. Review status: criteria provided, multiple submitters, no conflicts (2 of 4 stars). 2 submissions from 2 submitters: Uncertain significance (2). Last evaluated 2024-10-24.

Conditions:
Cardiovascular phenotype. Identifiers: MedGen CN230736.
Dilated cardiomyopathy 1G (CMD1G). Identifiers: Orphanet 154, MedGen C1858763, MONDO:0011400, OMIM 604145.
Autosomal recessive limb-girdle muscular dystrophy type 2J (LGMDR10). Also called: Limb-girdle muscular dystrophy, type 2J; MUSCULAR DYSTROPHY, LIMB-GIRDLE, AUTOSOMAL RECESSIVE 10. Identifiers: Orphanet 140922, MedGen C1837342, MONDO:0012127, OMIM 608807.

Submissions (2):

Labcorp Genetics (formerly Invitae), Labcorp
Classification: Uncertain significance for Dilated cardiomyopathy 1G; Autosomal recessive limb-girdle muscular dystrophy type 2J. Last evaluated: 2024-10-24. Review status: criteria provided, single submitter. Criteria: Invitae Variant Classification Sherloc (09022015). Collection method: clinical testing. Allele origin: germline.
Comment: This sequence change falls in intron 304 of the TTN gene. It does not directly change the encoded amino acid sequence of the TTN protein. It affects a nucleotide within the consensus splice site. This variant is not present in population databases (gnomAD no frequency). This variant has not been reported in the literature in individuals affected with TTN-related conditions. ClinVar contains an entry for this variant (Variation ID: 1055192). Variants that disrupt the consensus splice site are a relatively common cause of aberrant splicing (PMID: 17576681, 9536098). Algorithms developed to predict the effect of sequence changes on RNA splicing suggest that this variant may disrupt the consensus splice site. This variant is located in the A band of TTN (PMID: 25589632). Variants in this region may be relevant for cardiac or neuromuscular disorders (PMID: 25589632, 23975875). In summary, the available evidence is currently insufficient to determine the role of this variant in disease. Therefore, it has been classified as a Variant of Uncertain Significance.

Ambry Genetics
Classification: Uncertain significance for Cardiovascular phenotype. Last evaluated: 2022-06-30. Review status: criteria provided, single submitter. Criteria: Ambry Variant Classification Scheme 2023. Collection method: clinical testing. Allele origin: germline.
Comment: The c.35992+5G>A intronic variant results from a G to A substitution 5 nucleotides after coding exon 131 in the TTN gene. This nucleotide position is well conserved in available vertebrate species. In silico splice site analysis for this alteration is inconclusive. Since supporting evidence is limited at this time, the clinical significance of this alteration remains unclear.

Literature cited by the submitters: PubMed 17576681 (cited by Labcorp Genetics (formerly Invitae), Labcorp); PubMed 9536098 (cited by Labcorp Genetics (formerly Invitae), Labcorp); PubMed 25589632 (cited by Labcorp Genetics (formerly Invitae), Labcorp); PubMed 23975875 (cited by Labcorp Genetics (formerly Invitae), Labcorp).

NM_001267550.2(TTN):c.63187+5G>A

Genes: TTN-AS1 (TTN antisense RNA 1; plus strand), TTN (titin; minus strand). Cytogenetic location: 2q31.2.
Variant type: single nucleotide variant.
Coding change: c.63187+5G>A on transcript NM_001267550.2 (MANE Select); 5 bases into the intron after coding-DNA position 63187, G replaced by A.
Molecular consequence: intron variant.
Genome position (GRCh38, 1-based): chr2:178,588,533, C>T on the plus strand (G>A on the coding strand, the complement: TTN is on the minus strand). VCF-style: chr2-178588533-C-T. GRCh37 (hg19) VCF-style: chr2-179453260-C-T.
Other names: c.35992+5G>A (NM_003319.4); c.36568+5G>A (NM_133437.4); c.36367+5G>A (NM_133432.3); c.55483+5G>A (NM_133378.4); c.58264+5G>A (NM_001256850.1).
Identifiers: ClinVar variation 1055192 (VCV001055192.11), dbSNP rs1292388582, ClinGen allele CA761284297.
Genomic context (GRCh38, chr2:178,588,533, plus strand): 5'-ATCGAATACTTCTGTGCTTGAGATTAAGAGTTGCTGTAATATCAGAAAAAACAAGGACAT[C>T]CTACCTATGGGGTCTTTTGCCACCACCGGTCTTGAAGGCAAGCTTGGTTCTCCAATTCCA-3'